The following is an entry in ClinVar:

ClinVar aggregate classification (germline): Uncertain significance. Review status: criteria provided, multiple submitters, no conflicts (2 of 4 stars). 2 submissions from 2 submitters: Uncertain significance (2). Last evaluated 2026-03-12.

Conditions:
Congenital disorder of deglycosylation (CDDG). Identifiers: MedGen C3808991, MONDO:0031376.
Inborn genetic diseases. Identifiers: MedGen C0950123, MeSH D030342.

Allele frequency attached by ClinVar (database versions not stated): gnomAD exomes below 0.00001; ExAC 0.00001; gnomAD 0.00001; TOPMed 0.00001; ESP Exome Variant Server 0.00008.

Submissions (2):

Ambry Genetics
Classification: Uncertain significance for Inborn genetic diseases. Last evaluated: 2026-03-12. Review status: criteria provided, single submitter. Criteria: Ambry Variant Classification Scheme 2023. Collection method: clinical testing. Allele origin: germline.
Comment: The c.304C>T (p.R102C) alteration is located in exon 3 (coding exon 3) of the NGLY1 gene. This alteration results from a C to T substitution at nucleotide position 304, causing the arginine (R) at amino acid position 102 to be replaced by a cysteine (C). Based on data from gnomAD, the T allele has an overall frequency of 0.001% (2/282456) total alleles studied. The highest observed frequency was 0.002% (2/128800) of European (non-Finnish) alleles. Based on insufficient or conflicting evidence, the clinical significance of this alteration remains unclear.

Labcorp Genetics (formerly Invitae), Labcorp
Classification: Uncertain significance for Congenital disorder of deglycosylation. Last evaluated: 2022-08-02. Review status: criteria provided, single submitter. Criteria: Invitae Variant Classification Sherloc (09022015). Collection method: clinical testing. Allele origin: germline.
Comment: This sequence change replaces arginine, which is basic and polar, with cysteine, which is neutral and slightly polar, at codon 102 of the NGLY1 protein (p.Arg102Cys). This variant is present in population databases (rs375732599, gnomAD 0.002%). This variant has not been reported in the literature in individuals affected with NGLY1-related conditions. ClinVar contains an entry for this variant (Variation ID: 1011964). Algorithms developed to predict the effect of missense changes on protein structure and function are either unavailable or do not agree on the potential impact of this missense change (SIFT: "Deleterious"; PolyPhen-2: "Probably Damaging"; Align-GVGD: "Class C0"). In summary, the available evidence is currently insufficient to determine the role of this variant in disease. Therefore, it has been classified as a Variant of Uncertain Significance.

NM_018297.4(NGLY1):c.304C>T (p.Arg102Cys)

Gene: NGLY1 (N-glycanase 1; minus strand). Cytogenetic location: 3p24.2.
Variant type: single nucleotide variant.
Coding change: c.304C>T on transcript NM_018297.4 (MANE Select); coding-DNA position 304, C replaced by T.
Protein change: p.Arg102Cys; replaces arginine 102 with cysteine.
Molecular consequence: missense variant.
Genome position (GRCh38, 1-based): chr3:25,764,254, G>A on the plus strand (C>T on the coding strand, the complement: NGLY1 is on the minus strand). VCF-style: chr3-25764254-G-A. GRCh37 (hg19) VCF-style: chr3-25805745-G-A.
Other names: c.304C>T, p.Arg102Cys (NM_001145293.2, NM_001145295.2); c.178C>T, p.Arg60Cys (NM_001145294.2); c.304C>T (NM_018297.3); short protein forms R102C, R60C.
Identifiers: ClinVar variation 1011964 (VCV001011964.3), dbSNP rs375732599, ClinGen allele CA2289517.